The following is an entry in ClinVar:

ClinVar aggregate classification (germline): Conflicting classifications of pathogenicity. Review status: criteria provided, conflicting classifications (1 of 4 stars). 4 submissions from 4 submitters: Uncertain significance (1); Benign (1); Likely benign (2). Last evaluated 2024-06-27.

Conditions:
Hereditary cancer-predisposing syndrome. Also called: Neoplastic Syndromes, Hereditary; Tumor predisposition; Hereditary Cancer Syndrome; Hereditary neoplastic syndrome. Identifiers: Orphanet 140162, MedGen C0027672, MeSH D009386, MONDO:0015356.
Oligodontia-cancer predisposition syndrome. Also called: TOOTH AGENESIS-COLORECTAL CANCER SYNDROME. Identifiers: Orphanet 300576, MedGen C1837750, MONDO:0012075, OMIM 608615. Disease mechanism: loss of function.

Allele frequency attached by ClinVar (database versions not stated): TOPMed below 0.00001.

Submissions (4):

Myriad Genetics, Inc.
Classification: Benign for Oligodontia-cancer predisposition syndrome. Last evaluated: 2024-06-27. Review status: criteria provided, single submitter. Criteria: Myriad Autosomal Dominant, Autosomal Recessive and X-Linked Classification Criteria (2023). Collection method: clinical testing. Allele origin: unknown.
Comment: This variant is considered benign. This variant is a silent/synonymous amino acid change and it is not expected to impact splicing.

Quest Diagnostics Nichols Institute San Juan Capistrano
Classification: Uncertain significance. Last evaluated: 2022-09-15. Review status: criteria provided, single submitter. Criteria: Quest Diagnostics criteria. Collection method: clinical testing. Allele origin: unknown.
Comment: This variant has not been described in online databases, and to the best of our knowledge, has not been reported in individuals with AXIN2-related conditions in the published literature. It also has not been reported in large, multi-ethnic general populations. Analysis of this variant using software algorithms for the prediction of the effect of nucleotide changes on splicing yielded predictions that this variant does not affect AXIN2 mRNA splicing . Based on the available information, we are unable to determine the clinical significance of this variant.

Labcorp Genetics (formerly Invitae), Labcorp
Classification: Likely benign for Oligodontia-cancer predisposition syndrome. Last evaluated: 2022-05-16. Review status: criteria provided, single submitter. Criteria: Invitae Variant Classification Sherloc (09022015). Collection method: clinical testing. Allele origin: germline.

Ambry Genetics
Classification: Likely benign for Hereditary cancer-predisposing syndrome. Last evaluated: 2021-03-11. Review status: criteria provided, single submitter. Criteria: Ambry Variant Classification Scheme 2023. Collection method: clinical testing. Allele origin: germline.

NM_004655.4(AXIN2):c.822C>T (p.Phe274=)

Gene: AXIN2 (axin 2; minus strand). Cytogenetic location: 17q24.1.
Variant type: single nucleotide variant.
Coding change: c.822C>T on transcript NM_004655.4 (MANE Select); coding-DNA position 822, C replaced by T.
Protein change: p.Phe274=; no amino-acid change (phenylalanine 274 retained).
Molecular consequence: synonymous variant.
Genome position (GRCh38, 1-based): chr17:65,549,654, G>A on the plus strand (C>T on the coding strand, the complement: AXIN2 is on the minus strand). VCF-style: chr17-65549654-G-A. GRCh37 (hg19) VCF-style: chr17-63545772-G-A.
Other names: c.822C>T, p.Phe274= (NM_001363813.1).
Identifiers: ClinVar variation 1632519 (VCV001632519.12), dbSNP rs1826157128, ClinGen allele CA501476744.